The following is an entry in ClinVar:

NM_000353.3(TAT):c.57C>T (p.Asp19=)

Gene: TAT (tyrosine aminotransferase; minus strand). Cytogenetic location: 16q22.2.
Variant type: single nucleotide variant.
Coding change: c.57C>T on transcript NM_000353.3 (MANE Select); coding-DNA position 57, C replaced by T.
Protein change: p.Asp19=; no amino-acid change (aspartic acid 19 retained).
Molecular consequence: synonymous variant.
Genome position (GRCh38, 1-based): chr16:71,576,359, G>A on the plus strand (C>T on the coding strand, the complement: TAT is on the minus strand). VCF-style: chr16-71576359-G-A. GRCh37 (hg19) VCF-style: chr16-71610262-G-A.
Identifiers: ClinVar variation 1083807 (VCV001083807.32), dbSNP rs777582600, ClinGen allele CA8154095.

ClinVar aggregate classification (germline): Likely benign. Review status: criteria provided, multiple submitters, no conflicts (2 of 4 stars). 2 submissions from 2 submitters: Likely benign (2). Last evaluated 2024-02-01.

Conditions:
Tyrosinemia type II (TYRSN2). Also called: TAT DEFICIENCY; TYROSINE AMINOTRANSFERASE DEFICIENCY; TYROSINE TRANSAMINASE DEFICIENCY; KERATOSIS PALMOPLANTARIS WITH CORNEAL DYSTROPHY; OREGON TYPE TYROSINEMIA. Identifiers: Orphanet 28378, MedGen C0268487, MONDO:0010160, OMIM 276600.

Allele frequency attached by ClinVar (database versions not stated): TOPMed 0.00003.
gnomAD v4.1: 28 of 1,613,978 alleles (0.0017%); highest among the groups gnomAD compares: Middle Eastern, 0.016%; no homozygotes.

Submissions (2):

Labcorp Genetics (formerly Invitae), Labcorp
Classification: Likely benign for Tyrosinemia type II. Last evaluated: 2024-02-01. Review status: criteria provided, single submitter. Criteria: Invitae Variant Classification Sherloc (09022015). Collection method: clinical testing. Allele origin: germline.

CeGaT Center for Human Genetics Tuebingen
Classification: Likely benign. Last evaluated: 2023-01-01. Review status: criteria provided, single submitter. Criteria: CeGaT Center For Human Genetics Tuebingen Variant Classification Criteria Version 2. Collection method: clinical testing. Allele origin: germline. Affected: yes. Observed: 1 variant allele.
Comment: TAT: BP4, BP7